The following continues an entry in ClinVar:

NM_000257.4(MYH7):c.2360G>A (p.Arg787His)

ClinVar aggregate classification (germline): Benign. Benign (1).

Submissions 14 to 24 of 24:

Illumina Laboratory Services, Illumina
Classification: Likely benign for Myosin storage myopathy. Last evaluated: 2017-04-27. Review status: criteria provided, single submitter. Criteria: ICSL Variant Classification Criteria 13 December 2019. Collection method: clinical testing. Allele origin: germline. Not counted in ClinVar's aggregate classification.
Comment: This variant was observed as part of a predisposition screen in an ostensibly healthy population. A literature search was performed for the gene, cDNA change, and amino acid change (where applicable). No publications were found based on this search. Allele frequency data from public databases allowed determination this variant is unlikely to cause disease. Therefore, this variant is classified as likely benign.

Illumina Laboratory Services, Illumina
Classification: Likely benign for Hypertrophic cardiomyopathy 1. Last evaluated: 2017-04-27. Review status: criteria provided, single submitter. Criteria: ICSL Variant Classification Criteria 13 December 2019. Collection method: clinical testing. Allele origin: germline. Not counted in ClinVar's aggregate classification.
Comment: This variant was observed as part of a predisposition screen in an ostensibly healthy population. A literature search was performed for the gene, cDNA change, and amino acid change (where applicable). Publications were found based on this search. The evidence from the literature, in combination with allele frequency data from public databases where available, was sufficient to determine this variant is unlikely to cause disease. Therefore, this variant is classified as likely benign.

Illumina Laboratory Services, Illumina
Classification: Likely benign for MYH7-related skeletal myopathy. Last evaluated: 2017-04-27. Review status: criteria provided, single submitter. Criteria: ICSL Variant Classification Criteria 13 December 2019. Collection method: clinical testing. Allele origin: germline. Not counted in ClinVar's aggregate classification.
Comment: the same text as in the submission from Illumina Laboratory Services, Illumina above.

Agnes Ginges Centre for Molecular Cardiology, Centenary Institute
Classification: Likely benign for Hypertrophic cardiomyopathy 1. Last evaluated: 2017-03-10. Review status: criteria provided, single submitter. Criteria: Agnes Ginges Centre for Molecular Cardiology criteria (2015). Collection method: research. Allele origin: germline. Inheritance: Autosomal dominant inheritance. Affected: yes. Not counted in ClinVar's aggregate classification.
Comment: The MYH7 Arg787His variant occurs in the Exome Aggregation Consortium dataset at a frequency of 0.02%. In silico tools (SIFT, PolyPhen-HCM, MutationTaster) are in support of a benign role. Based on the high frequency in the general population and in silico tool predicting a benign effect, we classify MYH7 Arg787His as "likely benign".

ARUP Laboratories, Molecular Genetics and Genomics, ARUP Laboratories
Classification: Uncertain significance. Last evaluated: 2016-12-09. Review status: criteria provided, single submitter. Criteria: ARUP Molecular Germline Variant Investigation Process. Collection method: clinical testing. Allele origin: germline. Not counted in ClinVar's aggregate classification.

Genetic Services Laboratory, University of Chicago
Classification: Uncertain significance. Last evaluated: 2015-04-05. Review status: criteria provided, single submitter. Criteria: ACMG Guidelines, 2015. Collection method: clinical testing. Allele origin: germline. Not counted in ClinVar's aggregate classification.

Stanford Center for Inherited Cardiovascular Disease, Stanford University
Classification: Uncertain significance. Last evaluated: 2014-01-29. Review status: criteria provided, single submitter. Criteria: ACMG Guidelines, 2015. Collection method: provider interpretation. Allele origin: germline. Not counted in ClinVar's aggregate classification.

Laboratory for Molecular Medicine, Mass General Brigham Personalized Medicine
Classification: Uncertain significance. Last evaluated: 2013-06-05. Review status: criteria provided, single submitter. Criteria: LMM Criteria. Collection method: clinical testing. Allele origin: germline. Observed: 6 variant alleles. Not counted in ClinVar's aggregate classification.
Comment: The Arg787His variant has been reported in 7 probands (6 with HCM and 1 with DCM ), has been detected by our laboratory in 4 additional individuals with HCM. The majority of these individuals were of Indian or Arabic descent (Richard 2003, Y u 2005, Laredo 2006, Boda 2009, Rai 2009, Purushotham 2010; LMM unpublished data ). Three of 11 probands (2: LMM, 1: Laredo 2006) carried a second variant suffi cient to explain their disease. The variant was present in 1/4406 African Americ an chromosomes from a broad population screened by the NHLBI Exome Sequencing pr oject but absent from 600 were race-matched c hromosomes (Purushotham 2010) and 600 additional chromosomes across several stud ies (Richard 2003, Yu 2005, Laredo 2006, Boda 2009, Rai 2009). Another variant a t the same position (Arg787Cys) has been reported in individuals with HCM (Morit a 2008, Garcia-Castro 2009); however, the affected amino acid (arginine) is only moderately conserved in evolution, suggesting that a change may be tolerated or be milder. A milder effect was also suspected by Purushotham 2010 who detected the variant in 2 affected individuals but also 8 asymptomatic relatives. Of not e, one of these families had a history of sudden death including the son of an i ndividual who tested negative for the Arg787His variant. While a phenocopy cann ot be ruled out this possible non-segregation raises concern regarding the patho genicity of the Arg787His variant. In summary, the data for this variant is some what conflicting and additional studies are needed to clarify its role in diseas e.

CSER _CC_NCGL, University of Washington
Classification: Uncertain significance for Cardiomyopathy, hypertrophic. Last evaluated: 2014-06-01. Review status: no assertion criteria provided. Collection method: research. Allele origin: germline. Inheritance: Autosomal dominant inheritance. Study: ESP 6500 variant annotation. Not counted in ClinVar's aggregate classification.
Comment: Variants classified for the Actionable exomic incidental findings in 6503 participants: challenges of variant classification manuscript

Clinical Genetics, Academic Medical Center
Classification: Uncertain significance. Review status: no assertion criteria provided. Collection method: clinical testing. Allele origin: germline. Affected: yes. Study: VKGL Data-share Consensus. Not counted in ClinVar's aggregate classification.

Genome Diagnostics Laboratory, University Medical Center Utrecht
Classification: Uncertain significance. Review status: no assertion criteria provided. Collection method: clinical testing. Allele origin: germline. Affected: yes. Study: VKGL Data-share Consensus. Not counted in ClinVar's aggregate classification.

Literature cited by the submitters: PubMed 30696458 (cited by ClinGen Cardiomyopathy Variant Curation Expert Panel); PubMed 27532257 (cited by ClinGen Cardiomyopathy Variant Curation Expert Panel); PubMed 21959974 (cited by 3 submitters); PubMed 29300372 (cited by 3 submitters); PubMed 12707239 (cited by 4 submitters); PubMed 15858117 (cited by 4 submitters); PubMed 17125710 (cited by 4 submitters); PubMed 18403758 (cited by Ambry Genetics); PubMed 18953637 (cited by 4 submitters); PubMed 20086309 (cited by 4 submitters); PubMed 20664766 (cited by 4 submitters); PubMed 23299917 (cited by Ambry Genetics); PubMed 25351510 (cited by Ambry Genetics); PubMed 25637381 (cited by Ambry Genetics); PubMed 28518168 (cited by Ambry Genetics and Women's Health and Genetics/Laboratory Corporation of America, LabCorp); PubMed 23508784 (cited by Women's Health and Genetics/Laboratory Corporation of America, LabCorp); PubMed 25132132 (cited by Women's Health and Genetics/Laboratory Corporation of America, LabCorp); PubMed 26743238 (cited by Women's Health and Genetics/Laboratory Corporation of America, LabCorp); PubMed 27247418 (cited by Women's Health and Genetics/Laboratory Corporation of America, LabCorp); PubMed 19150014 (cited by Illumina Laboratory Services, Illumina and Laboratory for Molecular Medicine, Mass General Brigham Personalized Medicine).